The following is an entry in ClinVar:

ClinVar aggregate classification (germline): Uncertain significance. Review status: criteria provided, multiple submitters, no conflicts (2 of 4 stars). 3 submissions from 3 submitters: Uncertain significance (3). Last evaluated 2025-06-24.

Allele frequency attached by ClinVar (database versions not stated): gnomAD exomes 0.00002 and 0.00004; gnomAD 0.00007 and 0.00006; TOPMed 0.00013.
gnomAD v4.1: 42 of 1,550,468 alleles (0.0027%); highest among the groups gnomAD compares: African/African-American, 0.022%; no homozygotes.

Submissions (3):

GeneDx
Classification: Uncertain significance. Last evaluated: 2025-06-24. Review status: criteria provided, single submitter. Criteria: GeneDx Variant Classification Process June 2021. Collection method: clinical testing. Allele origin: germline. Affected: yes.
Comment: Identified in a patient with hearing loss who harbored several additional variants in other genes in published literature (PMID: 39062005); In silico analysis suggests that this missense variant does not alter protein structure/function; This variant is associated with the following publications: (PMID: 39062005)

Labcorp Genetics (formerly Invitae), Labcorp
Classification: Uncertain significance. Last evaluated: 2021-03-27. Review status: criteria provided, single submitter. Criteria: Invitae Variant Classification Sherloc (09022015). Collection method: clinical testing. Allele origin: germline.
Comment: In summary, the available evidence is currently insufficient to determine the role of this variant in disease. Therefore, it has been classified as a Variant of Uncertain Significance. Algorithms developed to predict the effect of missense changes on protein structure and function output the following: SIFT: "Deleterious"; PolyPhen-2: "Benign"; Align-GVGD: "Class C15". The leucine amino acid residue is found in multiple mammalian species, suggesting that this missense change does not adversely affect protein function. These predictions have not been confirmed by published functional studies and their clinical significance is uncertain. This variant has not been reported in the literature in individuals with OTOG-related conditions. ClinVar contains an entry for this variant (Variation ID: 229096). The frequency data for this variant in the population databases is considered unreliable, as metrics indicate insufficient coverage at this position in the ExAC database. This sequence change replaces serine with leucine at codon 1619 of the OTOG protein (p.Ser1619Leu). The serine residue is moderately conserved and there is a large physicochemical difference between serine and leucine.

Laboratory for Molecular Medicine, Mass General Brigham Personalized Medicine
Classification: Uncertain significance. Last evaluated: 2016-02-09. Review status: criteria provided, single submitter. Criteria: LMM Criteria. Collection method: clinical testing. Allele origin: germline. Observed: 1 variant allele.
Comment: Variant classified as Uncertain Significance - Favor Benign. The p.Ser1619Leu va riant in OTOG has not been previously reported in individuals with hearing loss. Data from large population studies are insufficient to assess the frequency of this variant. The serine (Ser) at position 1619 is not highly conserved in mamm als and evolutionary distant species. Of note, two mammals (shrew and wallaby) h ave a leucine (Leu) at this position despite high nearby amino acid conservation . Additional computational prediction tools do not provide strong support for o r against an impact to the protein. In summary, while the clinical significance of the p.Ser1619Leu variant is uncertain, the conservation data suggest it is mo re likely to be benign.

NM_001292063.2(OTOG):c.4820C>T (p.Ser1607Leu)

Gene: OTOG (otogelin; plus strand). Cytogenetic location: 11p15.1.
Variant type: single nucleotide variant.
Coding change: c.4820C>T on transcript NM_001292063.2 (MANE Select); coding-DNA position 4820, C replaced by T.
Protein change: p.Ser1607Leu; replaces serine 1607 with leucine.
Molecular consequence: missense variant.
Genome position (GRCh38, 1-based): chr11:17,610,120, C>T. VCF-style: chr11-17610120-C-T. GRCh37 (hg19) VCF-style: chr11-17631667-C-T.
Other names: c.4856C>T, p.Ser1619Leu (NM_001277269.2); short protein forms S1619L, S1607L.
Identifiers: ClinVar variation 229096 (VCV000229096.12), dbSNP rs867891665, ClinGen allele CA10576868.